The following is an entry in ClinVar:

NM_032575.3(GLIS2):c.1105G>A (p.Gly369Ser)

Gene: GLIS2 (GLIS family zinc finger 2; plus strand). Cytogenetic location: 16p13.3.
Variant type: single nucleotide variant.
Coding change: c.1105G>A on transcript NM_032575.3 (MANE Select); coding-DNA position 1105, G replaced by A.
Protein change: p.Gly369Ser; replaces glycine 369 with serine.
Molecular consequence: missense variant.
Genome position (GRCh38, 1-based): chr16:4,337,054, G>A. VCF-style: chr16-4337054-G-A. GRCh37 (hg19) VCF-style: chr16-4387055-G-A.
Other names: c.1105G>A, p.Gly369Ser (NM_001318918.2); short protein forms G369S.
Identifiers: ClinVar variation 216802 (VCV000216802.16), dbSNP rs200720013, ClinGen allele CA336973.

ClinVar aggregate classification (germline): Conflicting classifications of pathogenicity. Review status: criteria provided, conflicting classifications (1 of 4 stars). 5 submissions from 5 submitters: Uncertain significance (2); Benign (1); Likely benign (2). Last evaluated 2026-01-04.

Conditions:
GLIS2-related disorder. Also called: GLIS2-related condition.
Nephronophthisis. Also called: Juvenile Nephronophthisis. Identifiers: Orphanet 655, MedGen C0687120, MONDO:0019005, HP:0000090.
Nephronophthisis 7 (NPHP7). Identifiers: Orphanet 655, MedGen C1969092, MONDO:0012680, OMIM 611498.

Allele frequency attached by ClinVar (database versions not stated): gnomAD exomes 0.00094 and 0.00043; ExAC 0.00106; ESP Exome Variant Server 0.00040; gnomAD 0.00056; 1000 Genomes Project 0.00060; 1000 Genomes Project 30x 0.00062; TOPMed 0.00087.

Submissions (5):

Labcorp Genetics (formerly Invitae), Labcorp
Classification: Benign for Nephronophthisis. Last evaluated: 2026-01-04. Review status: criteria provided, single submitter. Criteria: Invitae Variant Classification Sherloc (09022015). Collection method: clinical testing. Allele origin: germline.

Ambry Genetics
Classification: Likely benign. Last evaluated: 2025-01-17. Review status: criteria provided, single submitter. Criteria: Ambry Variant Classification Scheme 2023. Collection method: clinical testing. Allele origin: germline.

PreventionGenetics, part of Exact Sciences
Classification: Likely benign for GLIS2-related condition. Last evaluated: 2024-12-18. Review status: criteria provided, single submitter. Criteria: ACMG Guidelines, 2015. Collection method: clinical testing. Allele origin: germline.
Comment: This variant is classified as likely benign based on ACMG/AMP sequence variant interpretation guidelines (Richards et al. 2015 PMID: 25741868, with internal and published modifications).

Fulgent Genetics
Classification: Uncertain significance for Nephronophthisis 7. Last evaluated: 2018-10-31. Review status: criteria provided, single submitter. Criteria: ACMG Guidelines, 2015. Collection method: clinical testing. Allele origin: unknown.

Illumina Laboratory Services, Illumina
Classification: Uncertain significance for Nephronophthisis 7. Last evaluated: 2018-01-12. Review status: criteria provided, single submitter. Criteria: ICSL Variant Classification Criteria 13 December 2019. Collection method: clinical testing. Allele origin: germline.